The following is an entry in ClinVar:

NC_000015.9:g.(?_48902905)_(48936966_?)del

Gene: FBN1 (fibrillin 1; minus strand). Cytogenetic location: 15q21.1.
Variant type: Deletion.
Identifiers: ClinVar variation 2422445 (VCV002422445.4).

ClinVar aggregate classification (germline): Pathogenic (1 of 4 stars; one submission).

Conditions:
Marfan syndrome (MFS). Also called: MARFAN SYNDROME, TYPE I; FBN1-Related Marfan Syndrome; Marfan syndrome type 1; Marfan's syndrome; Marfan syndrome, classic. Identifiers: Orphanet 284963, Orphanet 558, MedGen C0024796, MONDO:0007947, OMIM 154700.
Familial thoracic aortic aneurysm and aortic dissection (TAAD). Also called: Thoracic aortic aneurysms and dissections. Identifiers: Orphanet 91387, MedGen C4707243, MONDO:0019625.

Submission:

Labcorp Genetics (formerly Invitae), Labcorp
Classification: Pathogenic for Marfan syndrome; Familial thoracic aortic aneurysm and aortic dissection. Last evaluated: 2021-12-24. Review status: criteria provided, single submitter. Criteria: Invitae Variant Classification Sherloc (09022015). Collection method: clinical testing. Allele origin: germline.
Comment: For these reasons, this variant has been classified as Pathogenic. A similar copy number variant has been observed in individual(s) with Marfan syndrome (PMID: 29850152). It has also been observed to segregate with disease in related individuals. This variant is a gross deletion of the genomic region encompassing exon(s) 2-4 of the FBN1 gene, which includes the initiator codon. This deletion extends beyond the assayed region for this gene and therefore may encompass additional genes. It is expected to result in an absent or disrupted protein product. Loss-of-function variants in FBN1 are known to be pathogenic (PMID: 17657824, 19293843).

Literature cited by the submitters: PubMed 29850152; PubMed 17657824; PubMed 19293843.